The following is an entry in ClinVar:

NM_018942.3(HMX1):c.844G>A (p.Val282Met)

Gene: HMX1 (H6 family homeobox 1; minus strand). Cytogenetic location: 4p16.1.
Variant type: single nucleotide variant.
Coding change: c.844G>A on transcript NM_018942.3 (MANE Select); coding-DNA position 844, G replaced by A.
Protein change: p.Val282Met; replaces valine 282 with methionine.
Molecular consequence: missense variant. On other transcripts: intron variant (1).
Genome position (GRCh38, 1-based): chr4:8,867,896, C>T on the plus strand (G>A on the coding strand, the complement: HMX1 is on the minus strand). VCF-style: chr4-8867896-C-T. GRCh37 (hg19) VCF-style: chr4-8869622-C-T.
Other names: c.394+3325G>A (NM_001306142.2); short protein forms V282M.
Identifiers: ClinVar variation 1466425 (VCV001466425.8), dbSNP rs1243825740, ClinGen allele CA356277690.

ClinVar aggregate classification (germline): Uncertain significance (1 of 4 stars; one submission).

Allele frequency attached by ClinVar (database versions not stated): gnomAD 0.00001.

Submission:

Labcorp Genetics (formerly Invitae), Labcorp
Classification: Uncertain significance. Last evaluated: 2020-12-28. Review status: criteria provided, single submitter. Criteria: Invitae Variant Classification Sherloc (09022015). Collection method: clinical testing. Allele origin: germline.
Comment: In summary, the available evidence is currently insufficient to determine the role of this variant in disease. Therefore, it has been classified as a Variant of Uncertain Significance. Algorithms developed to predict the effect of missense changes on protein structure and function are either unavailable or do not agree on the potential impact of this missense change (SIFT: "Deleterious"; PolyPhen-2: "Probably Damaging"; Align-GVGD: "Class C0"). This variant has not been reported in the literature in individuals with HMX1-related conditions. The frequency data for this variant in the population databases is considered unreliable, as metrics indicate insufficient coverage at this position in the ExAC database. This sequence change replaces valine with methionine at codon 282 of the HMX1 protein (p.Val282Met). The valine residue is moderately conserved and there is a small physicochemical difference between valine and methionine.